The following is an entry in ClinVar:

ClinVar aggregate classification (germline): Pathogenic. Review status: criteria provided, multiple submitters, no conflicts (2 of 4 stars). 2 submissions from 2 submitters: Pathogenic (2). Last evaluated 2022-06-22.

Conditions:
Cerebral cavernous malformation 2. Also called: Familial Cerebral Cavernous Malformation 2. Identifiers: Orphanet 221061, MedGen C1864041, MONDO:0011304, OMIM 603284.
CCM2-related disorder. Also called: CCM2-related condition.

Submissions (2):

Blueprint Genetics
Classification: Pathogenic for CCM2-related disorders. Last evaluated: 2022-06-22. Review status: criteria provided, single submitter. Criteria: ACMG Guidelines, 2015. Collection method: clinical testing. Allele origin: germline. Affected: yes. Observed: 2 variant alleles.

Labcorp Genetics (formerly Invitae), Labcorp
Classification: Pathogenic for Cerebral cavernous malformation 2. Last evaluated: 2022-05-25. Review status: criteria provided, single submitter. Criteria: Invitae Variant Classification Sherloc (09022015). Collection method: clinical testing. Allele origin: germline.
Comment: This variant is not present in population databases (gnomAD no frequency). For these reasons, this variant has been classified as Pathogenic. This premature translational stop signal has been observed in individual(s) with cerebral cavernous malformations (PMID: 17277691). This sequence change creates a premature translational stop signal (p.Gln218Argfs*74) in the CCM2 gene. It is expected to result in an absent or disrupted protein product. Loss-of-function variants in CCM2 are known to be pathogenic (PMID: 18300272, 24689081).

Literature cited by the submitters: PubMed 17277691 (cited by Labcorp Genetics (formerly Invitae), Labcorp); PubMed 18300272 (cited by Labcorp Genetics (formerly Invitae), Labcorp); PubMed 24689081 (cited by Labcorp Genetics (formerly Invitae), Labcorp).

NM_031443.4(CCM2):c.652del (p.Gln218fs)

Gene: CCM2 (CCM2 scaffold protein; plus strand). Cytogenetic location: 7p13.
Variant type: Deletion.
Coding change: c.652del on transcript NM_031443.4 (MANE Select); coding-DNA position 652, one base deleted (C; older notation c.652delC).
Protein change: p.Gln218fs; shifts the reading frame from glutamine 218.
Molecular consequence: frameshift variant. On other transcripts: non-coding transcript variant (1), intron variant (1).
Genome position (GRCh38, 1-based): chr7:45,069,868, C deleted; the last of 2 consecutive C bases (chr7:45,069,867-45,069,868); deleting either gives the same sequence. VCF-style (leftmost placement, unchanged base first): chr7-45069866-TC-T. GRCh37 (hg19) VCF-style: chr7-45109465-TC-T.
Other names: c.715del, p.Gln239fs (NM_001029835.2); c.478del, p.Gln160fs (NM_001167934.2, NM_001363459.2); c.652del, p.Gln218fs (NM_001363458.2); c.473-2858del (NM_001167935.2); short protein forms Q218fs, Q239fs, Q160fs.
Identifiers: ClinVar variation 2136535 (VCV002136535.5), dbSNP rs2486144482, ClinGen allele CA2580077193.